The following is an entry in ClinVar:

NM_004655.4(AXIN2):c.1427A>G (p.Gln476Arg)

Gene: AXIN2 (axin 2; minus strand). Cytogenetic location: 17q24.1.
Variant type: single nucleotide variant.
Coding change: c.1427A>G on transcript NM_004655.4 (MANE Select); coding-DNA position 1427, A replaced by G.
Protein change: p.Gln476Arg; replaces glutamine 476 with arginine.
Molecular consequence: missense variant.
Genome position (GRCh38, 1-based): chr17:65,537,609, T>C on the plus strand (A>G on the coding strand, the complement: AXIN2 is on the minus strand). VCF-style: chr17-65537609-T-C. GRCh37 (hg19) VCF-style: chr17-63533727-T-C.
Other names: c.1427A>G, p.Gln476Arg (NM_001363813.1); short protein forms Q476R.
Identifiers: ClinVar variation 3814200 (VCV003814200.1).

ClinVar aggregate classification (germline): Uncertain significance (1 of 4 stars; one submission).

Conditions:
Hereditary cancer-predisposing syndrome. Also called: Hereditary neoplastic syndrome; Neoplastic Syndromes, Hereditary; Tumor predisposition; Hereditary Cancer Syndrome. Identifiers: Orphanet 140162, MedGen C0027672, MeSH D009386, MONDO:0015356.

Submission:

Ambry Genetics
Classification: Uncertain significance for Hereditary cancer-predisposing syndrome. Last evaluated: 2024-12-20. Review status: criteria provided, single submitter. Criteria: Ambry Variant Classification Scheme 2023. Collection method: clinical testing. Allele origin: germline.
Comment: The p.Q476R variant (also known as c.1427A>G), located in coding exon 5 of the AXIN2 gene, results from an A to G substitution at nucleotide position 1427. The glutamine at codon 476 is replaced by arginine, an amino acid with highly similar properties. This amino acid position is conserved. In addition, this alteration is predicted to be tolerated by in silico analysis. Based on the available evidence, the clinical significance of this variant remains unclear.